The following is an entry in ClinVar:

NM_014780.5(CUL7):c.1753G>A (p.Ala585Thr)

Gene: CUL7 (cullin 7; minus strand). Cytogenetic location: 6p21.1.
Variant type: single nucleotide variant.
Coding change: c.1753G>A on transcript NM_014780.5 (MANE Select); coding-DNA position 1753, G replaced by A.
Protein change: p.Ala585Thr; replaces alanine 585 with threonine.
Molecular consequence: missense variant.
Genome position (GRCh38, 1-based): chr6:43,049,479, C>T on the plus strand (G>A on the coding strand, the complement: CUL7 is on the minus strand). VCF-style: chr6-43049479-C-T. GRCh37 (hg19) VCF-style: chr6-43017217-C-T.
Other names: c.1849G>A, p.Ala617Thr (NM_001168370.2, NM_001374872.1); c.1753G>A, p.Ala585Thr (NM_001374873.1, NM_001374874.1); short protein forms A585T, A617T.
Identifiers: ClinVar variation 911538 (VCV000911538.10), dbSNP rs770077329, ClinGen allele CA3814080.

ClinVar aggregate classification (germline): Uncertain significance. Review status: criteria provided, multiple submitters, no conflicts (2 of 4 stars). 2 submissions from 2 submitters: Uncertain significance (2). Last evaluated 2024-08-19.

Conditions:
3M syndrome 1. Also called: 3-M Syndrome, CUL7-Related. Identifiers: Orphanet 2616, MedGen C2678312, MONDO:0010117, OMIM 273750.

Allele frequency attached by ClinVar (database versions not stated): ExAC 0.00001; gnomAD 0.00001; gnomAD exomes 0.00002 and 0.00003; TOPMed 0.00002.
gnomAD v4.1: 50 of 1,614,106 alleles (0.0031%); highest among the groups gnomAD compares: Non-Finnish European, 0.0042%; no homozygotes.

Submissions (2):

Labcorp Genetics (formerly Invitae), Labcorp
Classification: Uncertain significance. Last evaluated: 2024-08-19. Review status: criteria provided, single submitter. Criteria: Invitae Variant Classification Sherloc (09022015). Collection method: clinical testing. Allele origin: germline.
Comment: This sequence change replaces alanine, which is neutral and non-polar, with threonine, which is neutral and polar, at codon 585 of the CUL7 protein (p.Ala585Thr). This variant is present in population databases (rs770077329, gnomAD 0.004%). This variant has not been reported in the literature in individuals affected with CUL7-related conditions. ClinVar contains an entry for this variant (Variation ID: 911538). Invitae Evidence Modeling of protein sequence and biophysical properties (such as structural, functional, and spatial information, amino acid conservation, physicochemical variation, residue mobility, and thermodynamic stability) indicates that this missense variant is not expected to disrupt CUL7 protein function with a negative predictive value of 80%. In summary, the available evidence is currently insufficient to determine the role of this variant in disease. Therefore, it has been classified as a Variant of Uncertain Significance.

Illumina Laboratory Services, Illumina
Classification: Uncertain significance for 3M syndrome 1. Last evaluated: 2018-03-30. Review status: criteria provided, single submitter. Criteria: ICSL Variant Classification Criteria 13 December 2019. Collection method: clinical testing. Allele origin: germline.